The following is an entry in ClinVar:

NM_003737.4(DCHS1):c.938T>A (p.Leu313Gln)

Gene: DCHS1 (dachsous cadherin-related 1; minus strand). Cytogenetic location: 11p15.4.
Variant type: single nucleotide variant.
Coding change: c.938T>A on transcript NM_003737.4 (MANE Select); coding-DNA position 938, T replaced by A.
Protein change: p.Leu313Gln; replaces leucine 313 with glutamine.
Molecular consequence: missense variant.
Genome position (GRCh38, 1-based): chr11:6,640,676, A>T on the plus strand (T>A on the coding strand, the complement: DCHS1 is on the minus strand). VCF-style: chr11-6640676-A-T. GRCh37 (hg19) VCF-style: chr11-6661907-A-T.
Other names: short protein forms L313Q.
Identifiers: ClinVar variation 3708311 (VCV003708311.2).

ClinVar aggregate classification (germline): Uncertain significance (1 of 4 stars; one submission).

Submission:

Labcorp Genetics (formerly Invitae), Labcorp
Classification: Uncertain significance. Last evaluated: 2024-07-17. Review status: criteria provided, single submitter. Criteria: Invitae Variant Classification Sherloc (09022015). Collection method: clinical testing. Allele origin: germline.
Comment: This sequence change replaces leucine, which is neutral and non-polar, with glutamine, which is neutral and polar, at codon 313 of the DCHS1 protein (p.Leu313Gln). This variant is not present in population databases (gnomAD no frequency). This variant has not been reported in the literature in individuals affected with DCHS1-related conditions. Advanced modeling of protein sequence and biophysical properties (such as structural, functional, and spatial information, amino acid conservation, physicochemical variation, residue mobility, and thermodynamic stability) performed at Invitae indicates that this missense variant is not expected to disrupt DCHS1 protein function with a negative predictive value of 80%. In summary, the available evidence is currently insufficient to determine the role of this variant in disease. Therefore, it has been classified as a Variant of Uncertain Significance.